The following is an entry in ClinVar:

NM_152419.3(HGSNAT):c.1003C>T (p.Leu335Phe)

Gene: HGSNAT (heparan-alpha-glucosaminide N-acetyltransferase; plus strand). Cytogenetic location: 8p11.21.
Variant type: single nucleotide variant.
Coding change: c.1003C>T on transcript NM_152419.3 (MANE Select); coding-DNA position 1003, C replaced by T.
Protein change: p.Leu335Phe; replaces leucine 335 with phenylalanine.
Molecular consequence: missense variant. On other transcripts: intron variant (1).
Genome position (GRCh38, 1-based): chr8:43,178,225, C>T. VCF-style: chr8-43178225-C-T. GRCh37 (hg19) VCF-style: chr8-43033368-C-T.
Other names: c.1003C>T, p.Leu335Phe (NM_001363227.2); c.139C>T, p.Leu47Phe (NM_001363229.2); c.821-3920C>T (NM_001363228.2); short protein forms L335F, L47F.
Identifiers: ClinVar variation 991273 (VCV000991273.3), dbSNP rs369280586, ClinGen allele CA4736700.

ClinVar aggregate classification (germline): Uncertain significance. Review status: criteria provided, single submitter (1 of 4 stars). 2 submissions from 2 submitters: Uncertain significance (1). 1 of the submissions does not count toward it. Last evaluated 2023-10-13.

Conditions:
Mucopolysaccharidosis, MPS-III-C (MPS3C). Also called: MPS IIIC (Sanfilippo Syndrome Type C); MUCOPOLYSACCHARIDOSIS, TYPE IIIC; Mucopolysaccharidosis type IIIC (Sanfilippo C); mucopolysaccharidosis type 3C; SANFILIPPO SYNDROME C; MPS III C. Identifiers: Orphanet 581, Orphanet 79271, MedGen C0086649, MONDO:0009657, OMIM 252930.
Retinitis pigmentosa 73 (RP73). Identifiers: Orphanet 791, MedGen C4225287, MONDO:0014687, OMIM 616544.

Allele frequency attached by ClinVar (database versions not stated): gnomAD 0.00004 and 0.00003; TOPMed 0.00006; gnomAD exomes 0.00001.
gnomAD v4.1: 16 of 1,541,294 alleles (0.001%); highest among the groups gnomAD compares: African/African-American, 0.019%; no homozygotes.

Submissions (2):

Labcorp Genetics (formerly Invitae), Labcorp
Classification: Uncertain significance for Retinitis pigmentosa 73; Mucopolysaccharidosis, MPS-III-C. Last evaluated: 2023-10-13. Review status: criteria provided, single submitter. Criteria: Invitae Variant Classification Sherloc (09022015). Collection method: clinical testing. Allele origin: germline.
Comment: This sequence change replaces leucine, which is neutral and non-polar, with phenylalanine, which is neutral and non-polar, at codon 335 of the HGSNAT protein (p.Leu335Phe). This variant is present in population databases (rs369280586, gnomAD 0.004%). This variant has not been reported in the literature in individuals affected with HGSNAT-related conditions. ClinVar contains an entry for this variant (Variation ID: 991273). Advanced modeling of protein sequence and biophysical properties (such as structural, functional, and spatial information, amino acid conservation, physicochemical variation, residue mobility, and thermodynamic stability) has been performed at Invitae for this missense variant, however the output from this modeling did not meet the statistical confidence thresholds required to predict the impact of this variant on HGSNAT protein function. In summary, the available evidence is currently insufficient to determine the role of this variant in disease. Therefore, it has been classified as a Variant of Uncertain Significance.

Natera, Inc.
Classification: Uncertain significance for Mucopolysaccharidosis type IIIC. Last evaluated: 2020-08-13. Review status: no assertion criteria provided. Collection method: clinical testing. Allele origin: germline. Not counted in ClinVar's aggregate classification.